The following is an entry in ClinVar:

ClinVar aggregate classification (germline): Uncertain significance. Review status: criteria provided, single submitter (1 of 4 stars). 2 submissions from 1 submitter: Uncertain significance (2). Last evaluated 2022-03-11.

Conditions:
Charcot-Marie-Tooth disease, type I (CMT1). Also called: Charcot-Marie-Tooth, Type 1; Charcot-Marie-Tooth disease type 1. Identifiers: Orphanet 65753, MedGen C0751036, MONDO:0019011.
Early Myoclonic Encephalopathy. Identifiers: MedGen C0270855.

Submissions (2):

Labcorp Genetics (formerly Invitae), Labcorp
Classification: Uncertain significance for Early Myoclonic Encephalopathy. Last evaluated: 2022-03-11. Review status: criteria provided, single submitter. Criteria: Invitae Variant Classification Sherloc (09022015). Collection method: clinical testing. Allele origin: germline.
Comment: In summary, the available evidence is currently insufficient to determine the role of this variant in disease. Therefore, it has been classified as a Variant of Uncertain Significance. This variant has not been reported in the literature in individuals affected with JMJD1C-related conditions. A gross deletion of the genomic region encompassing the full coding sequence of the JMJD1C gene has been identified. The current clinical and genetic evidence is not sufficient to establish whether loss-of-function variants in JMJD1C cause disease. The boundaries of this event are unknown as they extend beyond the assayed region for this gene and therefore may encompass additional genes.

Labcorp Genetics (formerly Invitae), Labcorp
Classification: Uncertain significance for Charcot-Marie-Tooth disease, type I. Last evaluated: 2021-07-21. Review status: criteria provided, single submitter. Criteria: Invitae Variant Classification Sherloc (09022015). Collection method: clinical testing. Allele origin: germline.
Comment: In summary, the available evidence is currently insufficient to determine the role of this variant in disease. Therefore, it has been classified as a Variant of Uncertain Significance. This variant has not been reported in the literature in individuals with EGR2-related conditions. A gross deletion of the genomic region encompassing the full coding sequence of the EGR2 gene has been identified. The current clinical and genetic evidence is not sufficient to establish whether loss-of-function variants in EGR2 cause disease. The boundaries of this event are unknown as they extend beyond the assayed region for this gene and therefore may encompass additional genes.

NC_000010.10:g.(?_64572967)_(65225422_?)del

Genes: EGR2 (early growth response 2; minus strand), JMJD1C (jumonji domain containing 1C; minus strand), NRBF2 (nuclear receptor binding factor 2; plus strand). Cytogenetic location: 10q21.3.
Variant type: Deletion.
Identifiers: ClinVar variation 1372882 (VCV001372882.5).